The following is an entry in ClinVar:

ClinVar aggregate classification (germline): Uncertain significance (1 of 4 stars; one submission).

Allele frequency attached by ClinVar (database versions not stated): gnomAD exomes below 0.00001.
gnomAD v4.1: 1 of 1,614,110 alleles (0.000062%); highest among the groups gnomAD compares: Admixed American, 0.0017%; no homozygotes.

Submission:

Labcorp Genetics (formerly Invitae), Labcorp
Classification: Uncertain significance. Last evaluated: 2022-07-26. Review status: criteria provided, single submitter. Criteria: Invitae Variant Classification Sherloc (09022015). Collection method: clinical testing. Allele origin: germline.
Comment: This sequence change replaces valine, which is neutral and non-polar, with isoleucine, which is neutral and non-polar, at codon 98 of the GORAB protein (p.Val98Ile). This variant is not present in population databases (gnomAD no frequency). This variant has not been reported in the literature in individuals affected with GORAB-related conditions. Algorithms developed to predict the effect of missense changes on protein structure and function output the following: SIFT: "Tolerated"; PolyPhen-2: "Benign"; Align-GVGD: "Class C0". The isoleucine amino acid residue is found in multiple mammalian species, which suggests that this missense change does not adversely affect protein function. In summary, the available evidence is currently insufficient to determine the role of this variant in disease. Therefore, it has been classified as a Variant of Uncertain Significance.

NM_152281.3(GORAB):c.217G>A (p.Val73Ile)

Gene: GORAB (golgin, RAB6 interacting; plus strand). Cytogenetic location: 1q24.2.
Variant type: single nucleotide variant.
Coding change: c.217G>A on transcript NM_152281.3 (MANE Select); coding-DNA position 217, G replaced by A.
Protein change: p.Val73Ile; replaces valine 73 with isoleucine.
Molecular consequence: missense variant. On other transcripts: 5 prime UTR variant (1), non-coding transcript variant (1).
Genome position (GRCh38, 1-based): chr1:170,539,365, G>A. VCF-style: chr1-170539365-G-A. GRCh37 (hg19) VCF-style: chr1-170508506-G-A.
Other names: c.217G>A, p.Val73Ile (NM_001146039.2); c.-249G>A (NM_001320252.2); c.166G>A, p.Val56Ile (NM_001410894.1); short protein forms V56I, V73I.
Identifiers: ClinVar variation 2073054 (VCV002073054.4), dbSNP rs1558004413, ClinGen allele CA343162274.